The following is an entry in ClinVar:

ClinVar aggregate classification (germline): Conflicting classifications of pathogenicity. Review status: criteria provided, conflicting classifications (1 of 4 stars). 3 submissions from 3 submitters: Uncertain significance (1); Likely benign (2). Last evaluated 2026-06-28.

Conditions:
FAH-related disorder. Also called: FAH-related condition.
Tyrosinemia type I (TYRSN1). Also called: Tyrosinemia type 1; Fumarylacetoacetase deficiency; Deficiency of fumarylacetoacetase; FAH DEFICIENCY; HEPATORENAL TYROSINEMIA. Identifiers: Orphanet 882, MedGen C0268490, MONDO:0010161, OMIM 276700. Disease mechanism: loss of function.

gnomAD v4.1: 85 of 1,613,948 alleles (0.0053%); highest among the groups gnomAD compares: Non-Finnish European, 0.0067%; no homozygotes.

Submissions (3):

PreventionGenetics, part of Exact Sciences
Classification: Likely benign for FAH-related condition. Last evaluated: 2026-06-28. Review status: criteria provided, single submitter. Criteria: ACMG Guidelines, 2015. Collection method: clinical testing. Allele origin: germline.
Comment: This variant is classified as likely benign based on ACMG/AMP sequence variant interpretation guidelines (Richards et al. 2015 PMID: 25741868, with internal and published modifications).

Labcorp Genetics (formerly Invitae), Labcorp
Classification: Likely benign for Tyrosinemia type I. Last evaluated: 2024-09-04. Review status: criteria provided, single submitter. Criteria: Invitae Variant Classification Sherloc (09022015). Collection method: clinical testing. Allele origin: germline.

Fulgent Genetics
Classification: Uncertain significance for Tyrosinemia type I. Last evaluated: 2024-02-20. Review status: criteria provided, single submitter. Criteria: ACMG Guidelines, 2015. Collection method: clinical testing. Allele origin: germline.

NM_000137.4(FAH):c.111C>T (p.Gly37=)

Gene: FAH (fumarylacetoacetate hydrolase; plus strand). Cytogenetic location: 15q25.1.
Variant type: single nucleotide variant.
Coding change: c.111C>T on transcript NM_000137.4 (MANE Select); coding-DNA position 111, C replaced by T.
Protein change: p.Gly37=; no amino-acid change (glycine 37 retained).
Molecular consequence: synonymous variant.
Genome position (GRCh38, 1-based): chr15:80,158,089, C>T. VCF-style: chr15-80158089-C-T. GRCh37 (hg19) VCF-style: chr15-80450431-C-T.
Other names: c.111C>T, p.Gly37= (NM_001374377.1, NM_001374380.1); c.111C>T (NM_000137.2).
Identifiers: ClinVar variation 3577783 (VCV003577783.4).